The following is an entry in ClinVar:

ClinVar aggregate classification (germline): Uncertain significance. Review status: criteria provided, multiple submitters, no conflicts (2 of 4 stars). 2 submissions from 2 submitters: Uncertain significance (2). Last evaluated 2026-06-24.

Conditions:
Hereditary cancer-predisposing syndrome. Also called: Hereditary Cancer Syndrome; Hereditary neoplastic syndrome; Neoplastic Syndromes, Hereditary; Tumor predisposition. Identifiers: Orphanet 140162, MedGen C0027672, MeSH D009386, MONDO:0015356.
Familial cancer of breast. Also called: Hereditary breast cancer; hereditary breast carcinoma; BREAST CANCER, FAMILIAL. Identifiers: Orphanet 227535, MedGen C0346153, MONDO:0016419, OMIM 114480. Disease mechanism: loss of function.
Fanconi anemia complementation group J. Also called: BRIP1-Related Fanconi Anemia. Identifiers: Orphanet 84, MedGen C1836860, MONDO:0012187, OMIM 609054.

Submissions (2):

Ambry Genetics
Classification: Uncertain significance for Hereditary cancer-predisposing syndrome. Last evaluated: 2026-06-24. Review status: criteria provided, single submitter. Criteria: Ambry Variant Classification Scheme 2023. Collection method: clinical testing. Allele origin: germline.
Comment: The p.I246R variant (also known as c.737T>G), located in coding exon 6 of the BRIP1 gene, results from a T to G substitution at nucleotide position 737. The isoleucine at codon 246 is replaced by arginine, an amino acid with similar properties. This amino acid position is conserved. In addition, this alteration is predicted to be deleterious by in silico analysis. Based on the available evidence, the clinical significance of this variant remains unclear.

Labcorp Genetics (formerly Invitae), Labcorp
Classification: Uncertain significance for Familial cancer of breast; Fanconi anemia complementation group J. Last evaluated: 2023-06-25. Review status: criteria provided, single submitter. Criteria: Invitae Variant Classification Sherloc (09022015). Collection method: clinical testing. Allele origin: germline.
Comment: This variant has not been reported in the literature in individuals affected with BRIP1-related conditions. In summary, the available evidence is currently insufficient to determine the role of this variant in disease. Therefore, it has been classified as a Variant of Uncertain Significance. Advanced modeling of protein sequence and biophysical properties (such as structural, functional, and spatial information, amino acid conservation, physicochemical variation, residue mobility, and thermodynamic stability) performed at Invitae indicates that this missense variant is expected to disrupt BRIP1 protein function. This variant is not present in population databases (gnomAD no frequency). This sequence change replaces isoleucine, which is neutral and non-polar, with arginine, which is basic and polar, at codon 246 of the BRIP1 protein (p.Ile246Arg).

NM_032043.3(BRIP1):c.737T>G (p.Ile246Arg)

Gene: BRIP1 (BRCA1 interacting DNA helicase 1; minus strand). Cytogenetic location: 17q23.2.
Variant type: single nucleotide variant.
Coding change: c.737T>G on transcript NM_032043.3 (MANE Select); coding-DNA position 737, T replaced by G.
Protein change: p.Ile246Arg; replaces isoleucine 246 with arginine.
Molecular consequence: missense variant.
Genome position (GRCh38, 1-based): chr17:61,808,648, A>C on the plus strand (T>G on the coding strand, the complement: BRIP1 is on the minus strand). VCF-style: chr17-61808648-A-C. GRCh37 (hg19) VCF-style: chr17-59886009-A-C.
Other names: short protein forms I246R.
Identifiers: ClinVar variation 2949281 (VCV002949281.4), dbSNP rs2545197628, ClinGen allele CA400485018.
Genomic context (GRCh38, chr17:61,808,648, plus strand): 5'-GTCCTCCGGAGCTCTCTAGTAATCTGAGCAATCTGCTTGTGTGTGCGTGTCCCAAAATAT[A>C]TTTTGGGTATCTTGGATTTCCCTGTATGATCCTTCTTAATGGTATTCGATGACTCTTGAC-3'
Protein context (NP_114432.2, residues 236-256): DHTGKSKIPK[Ile246Arg]YFGTRTHKQI